The following is an entry in ClinVar:

NM_020297.4(ABCC9):c.3815dup (p.Glu1273fs)

Genes: ABCC9 (ATP binding cassette subfamily C member 9; minus strand), KCNJ8-AS1 (KCNJ8 antisense RNA 1; plus strand). Cytogenetic location: 12p12.1.
Variant type: Duplication.
Coding change: c.3815dup on transcript NM_020297.4 (MANE Select); coding-DNA position 3815, one base duplicated (T; older notation c.3815dupT).
Protein change: p.Glu1273fs; shifts the reading frame from glutamic acid 1273.
Molecular consequence: frameshift variant.
Genome position (GRCh38, 1-based): chr12:21,817,264, A duplicated on the plus strand (T on the coding strand, the reverse complement: ABCC9 is on the minus strand). VCF-style (leftmost placement, unchanged base first): chr12-21817263-C-CA. GRCh37 (hg19) VCF-style: chr12-21970197-C-CA.
Other names: c.3815dup, p.Glu1273fs (NM_001377273.1, NM_005691.4); c.2948dup, p.Glu984fs (NM_001377274.1); short protein forms E1273fs, E984fs.
Identifiers: ClinVar variation 4724892 (VCV004724892.1).

ClinVar aggregate classification (germline): Pathogenic (1 of 4 stars; one submission).

Conditions:
Dilated cardiomyopathy 1O (CMD1O). Also called: CARDIOMYOPATHY, DILATED, WITH VENTRICULAR TACHYCARDIA. Identifiers: Orphanet 154, MedGen C1837839, MONDO:0012062, OMIM 608569.

Submission:

Labcorp Genetics (formerly Invitae), Labcorp
Classification: Pathogenic for Dilated cardiomyopathy 1O. Last evaluated: 2025-09-03. Review status: criteria provided, single submitter. Criteria: Invitae Variant Classification Sherloc (09022015). Collection method: clinical testing. Allele origin: germline.
Comment: This sequence change creates a premature translational stop signal (p.Glu1273Glyfs*22) in the ABCC9 gene. It is expected to result in an absent or disrupted protein product. Loss-of-function variants in ABCC9 are known to be pathogenic (PMID: 31575858, 38217872). This variant is not present in population databases (gnomAD no frequency). This variant has not been reported in the literature in individuals affected with ABCC9-related conditions. Algorithms developed to predict the effect of sequence changes on RNA splicing suggest that this variant may disrupt the consensus splice site. For these reasons, this variant has been classified as Pathogenic.

Literature cited by the submitters: PubMed 31575858; PubMed 38217872.